The following is an entry in ClinVar:

NM_001048174.2(MUTYH):c.1538C>G (p.Ala513Gly)

Gene: MUTYH (mutY DNA glycosylase; minus strand). Cytogenetic location: 1p34.1.
Variant type: single nucleotide variant.
Coding change: c.1538C>G on transcript NM_001048174.2 (MANE Select); coding-DNA position 1538, C replaced by G.
Protein change: p.Ala513Gly; replaces alanine 513 with glycine.
Molecular consequence: missense variant. On other transcripts: non-coding transcript variant (2).
Genome position (GRCh38, 1-based): chr1:45,329,334, G>C on the plus strand (C>G on the coding strand, the complement: MUTYH is on the minus strand). VCF-style: chr1-45329334-G-C. GRCh37 (hg19) VCF-style: chr1-45795006-G-C.
Other names: c.1538C>G, p.Ala513Gly (NM_001048171.2, NM_001048173.2, NM_001293195.2); c.1541C>G, p.Ala514Gly (NM_001048172.2); c.1622C>G, p.Ala541Gly (NM_001128425.2); c.1583C>G, p.Ala528Gly (NM_001293190.2); c.1571C>G, p.Ala524Gly (NM_001293191.2); c.1262C>G, p.Ala421Gly (NM_001293192.2, NM_001293196.2); c.1193C>G, p.Ala398Gly (NM_001350650.2, NM_001350651.2); c.1613C>G, p.Ala538Gly (NM_012222.3); short protein forms A398G, A421G, A513G, A514G, A524G, A528G, A538G, A541G.
Identifiers: ClinVar variation 1005301 (VCV001005301.8), dbSNP rs751053826, ClinGen allele CA340131557.
Genomic context (GRCh38, chr1:45,329,334, plus strand): 5'-GGATTCTCAGGGAATGGGGGCTTTCAGAGGTGTCACTGGGCTGCACTGTTGAGGCTGTGT[G>C]CATCAGTGGAGATGTGAGACCGAAAGAAATTATCCAGGACTTGCTGGCCCATGCGGGGCT-3'
Protein context (NP_001041639.1, residues 503-521): NFFRSHISTD[Ala513Gly]HSLNSAAQ

ClinVar aggregate classification (germline): Uncertain significance (1 of 4 stars; one submission).

Conditions:
Familial adenomatous polyposis 2. Also called: COLORECTAL ADENOMATOUS POLYPOSIS, AUTOSOMAL RECESSIVE; ADENOMAS, MULTIPLE COLORECTAL, AUTOSOMAL RECESSIVE; Adenomas, multiple colorectal; FAP type 2; MUTYH Polyposis; MUTYH-associated polyposis. Identifiers: Orphanet 220460, Orphanet 247798, MedGen C3272841, MONDO:0012041, OMIM 608456.

gnomAD v4.1: 4 of 1,614,198 alleles (0.00025%); highest among the groups gnomAD compares: Non-Finnish European, 0.00034%; no homozygotes.

Submission:

Labcorp Genetics (formerly Invitae), Labcorp
Classification: Uncertain significance for Familial adenomatous polyposis 2. Last evaluated: 2024-08-17. Review status: criteria provided, single submitter. Criteria: Invitae Variant Classification Sherloc (09022015). Collection method: clinical testing. Allele origin: germline.
Comment: This sequence change replaces alanine, which is neutral and non-polar, with glycine, which is neutral and non-polar, at codon 541 of the MUTYH protein (p.Ala541Gly). This variant is not present in population databases (gnomAD no frequency). This variant has not been reported in the literature in individuals affected with MUTYH-related conditions. ClinVar contains an entry for this variant (Variation ID: 1005301). An algorithm developed to predict the effect of missense changes on protein structure and function outputs the following: PolyPhen-2: "Benign". The glycine amino acid residue is found in multiple mammalian species, which suggests that this missense change does not adversely affect protein function. In summary, the available evidence is currently insufficient to determine the role of this variant in disease. Therefore, it has been classified as a Variant of Uncertain Significance.